The following is an entry in ClinVar:

ClinVar aggregate classification (germline): Uncertain significance (1 of 4 stars; one submission).

Submission:

Ambry Genetics
Classification: Uncertain significance. Last evaluated: 2024-04-26. Review status: criteria provided, single submitter. Criteria: Ambry Variant Classification Scheme 2023. Collection method: clinical testing. Allele origin: germline.
Comment: The p.V231F variant (also known as c.691G>T), located in coding exon 8 of the BUB1 gene, results from a G to T substitution at nucleotide position 691. The valine at codon 231 is replaced by phenylalanine, an amino acid with highly similar properties. This amino acid position is conserved. In addition, this alteration is predicted to be tolerated by in silico analysis. Based on the available evidence, the clinical significance of this variant remains unclear.

NM_004336.5(BUB1):c.691G>T (p.Val231Phe)

Gene: BUB1 (BUB1 mitotic checkpoint serine/threonine kinase; minus strand). Cytogenetic location: 2q13.
Variant type: single nucleotide variant.
Coding change: c.691G>T on transcript NM_004336.5 (MANE Select); coding-DNA position 691, G replaced by T.
Protein change: p.Val231Phe; replaces valine 231 with phenylalanine.
Molecular consequence: missense variant.
Genome position (GRCh38, 1-based): chr2:110,667,635, C>A on the plus strand (G>T on the coding strand, the complement: BUB1 is on the minus strand). VCF-style: chr2-110667635-C-A. GRCh37 (hg19) VCF-style: chr2-111425212-C-A.
Other names: c.631G>T, p.Val211Phe (NM_001278616.2); c.691G>T, p.Val231Phe (NM_001278617.2); short protein forms V211F, V231F.
Identifiers: ClinVar variation 3262145 (VCV003262145.1).